The following is an entry in ClinVar:

NM_001323289.2(CDKL5):c.1382A>T (p.Asn461Ile)

Gene: CDKL5 (cyclin dependent kinase like 5; plus strand). Cytogenetic location: Xp22.13.
Variant type: single nucleotide variant.
Coding change: c.1382A>T on transcript NM_001323289.2 (MANE Select); coding-DNA position 1382, A replaced by T.
Protein change: p.Asn461Ile; replaces asparagine 461 with isoleucine.
Molecular consequence: missense variant.
Genome position (GRCh38, 1-based): chrX:18,604,306, A>T. VCF-style: chrX-18604306-A-T. GRCh37 (hg19) VCF-style: chrX-18622426-A-T.
Other names: c.1382A>T, p.Asn461Ile (NM_001037343.2, NM_003159.3); short protein forms N461I.
Identifiers: ClinVar variation 858782 (VCV000858782.15), dbSNP rs267608629, ClinGen allele CA10360379.

ClinVar aggregate classification (germline): Benign/Likely benign. Review status: criteria provided, multiple submitters, no conflicts (2 of 4 stars). 3 submissions from 3 submitters: Benign (1); Likely benign (2). Last evaluated 2026-01-01.

Conditions:
Inborn genetic diseases. Identifiers: MedGen C0950123, MeSH D030342.
Developmental and epileptic encephalopathy, 2 (DEE2). Also called: INFANTILE SPASM SYNDROME, X-LINKED 2; CDKL5 deficiency disorder. Identifiers: Orphanet 1934, Orphanet 3451, Orphanet 505652, MedGen C4750718, MONDO:0010396, OMIM 300672.
Angelman syndrome-like. Identifiers: MedGen CN128785.

Allele frequency attached by ClinVar (database versions not stated): TOPMed 0.00002.
gnomAD v4.1: 35 of 1,209,668 alleles (0.0029%); highest among the groups gnomAD compares: Non-Finnish European, 0.0036%; no homozygotes.

Submissions (3):

CeGaT Center for Human Genetics Tuebingen
Classification: Likely benign. Last evaluated: 2026-01-01. Review status: criteria provided, single submitter. Criteria: CeGaT Center For Human Genetics Tuebingen Variant Classification Criteria Version 2. Collection method: clinical testing. Allele origin: germline. Affected: yes. Observed: 1 variant allele.
Comment: CDKL5: BP4, BS2

Labcorp Genetics (formerly Invitae), Labcorp
Classification: Benign for Developmental and epileptic encephalopathy, 2; Angelman syndrome-like. Last evaluated: 2024-07-01. Review status: criteria provided, single submitter. Criteria: Invitae Variant Classification Sherloc (09022015). Collection method: clinical testing. Allele origin: germline.

Ambry Genetics
Classification: Likely benign for Inborn genetic diseases. Last evaluated: 2023-12-17. Review status: criteria provided, single submitter. Criteria: Ambry Variant Classification Scheme 2023. Collection method: clinical testing. Allele origin: germline.